The following is an entry in ClinVar:

NM_001042492.3(NF1):c.2342A>T (p.His781Leu)

Gene: NF1 (neurofibromin 1; plus strand). Cytogenetic location: 17q11.2.
Variant type: single nucleotide variant.
Coding change: c.2342A>T on transcript NM_001042492.3 (MANE Select); coding-DNA position 2342, A replaced by T.
Protein change: p.His781Leu; replaces histidine 781 with leucine.
Molecular consequence: missense variant.
Genome position (GRCh38, 1-based): chr17:31,227,539, A>T. VCF-style: chr17-31227539-A-T. GRCh37 (hg19) VCF-style: chr17-29554557-A-T.
Other names: c.2342A>T, p.His781Leu (NM_000267.4); short protein forms H781L.
Identifiers: ClinVar variation 216398 (VCV000216398.16), dbSNP rs199474763, ClinGen allele CA336494.

ClinVar aggregate classification (germline): Conflicting classifications of pathogenicity. Review status: criteria provided, conflicting classifications (1 of 4 stars). 7 submissions from 6 submitters: Uncertain significance (6); Benign (1). Last evaluated 2025-12-29.

Conditions:
Cardiovascular phenotype. Identifiers: MedGen CN230736.
Hereditary cancer-predisposing syndrome. Also called: Tumor predisposition; Hereditary Cancer Syndrome; Neoplastic Syndromes, Hereditary; Hereditary neoplastic syndrome. Identifiers: Orphanet 140162, MedGen C0027672, MeSH D009386, MONDO:0015356.
Cleft palate. Identifiers: Orphanet 2014, MedGen C2981150, MONDO:0016064, HP:0000175.
Neurofibromatosis, type 1 (NF1). Also called: VON RECKLINGHAUSEN DISEASE; Peripheral type neurofibromatosis; Neurofibromatosis, type I; NEUROFIBROMATOSIS, TYPE I, SOMATIC. Identifiers: Orphanet 636, MedGen C0027831, MONDO:0018975, OMIM 162200. Disease mechanism: loss of function.

Allele frequency attached by ClinVar (database versions not stated): gnomAD 0.00001; gnomAD exomes 0.00001; TOPMed 0.00001.
gnomAD v4.1: 12 of 1,613,752 alleles (0.00074%); highest among the groups gnomAD compares: African/African-American, 0.0013%; no homozygotes.

Submissions (7):

Labcorp Genetics (formerly Invitae), Labcorp
Classification: Benign for Neurofibromatosis, type 1. Last evaluated: 2025-12-29. Review status: criteria provided, single submitter. Criteria: Invitae Variant Classification Sherloc (09022015). Collection method: clinical testing. Allele origin: germline.

Quest Diagnostics Nichols Institute San Juan Capistrano
Classification: Uncertain significance. Last evaluated: 2025-02-12. Review status: criteria provided, single submitter. Criteria: Quest Diagnostics criteria. Collection method: clinical testing. Allele origin: unknown.

GeneDx
Classification: Uncertain significance. Last evaluated: 2024-03-26. Review status: criteria provided, single submitter. Criteria: GeneDx Variant Classification Process June 2021. Collection method: clinical testing. Allele origin: germline. Affected: yes.
Comment: In silico analysis supports that this missense variant has a deleterious effect on protein structure/function; Observed as a germline variant in an adult patient with AML; however, no further clinical information was provided (PMID: 34482403); This variant is associated with the following publications: (PMID: 25486365, 34482403)

Genome-Nilou Lab
Classification: Uncertain significance for Neurofibromatosis, type 1. Last evaluated: 2022-03-15. Review status: criteria provided, single submitter. Criteria: ACMG Guidelines, 2015. Collection method: clinical testing. Allele origin: germline. Affected: no.

Cambridge Genomics Laboratory, East Genomic Laboratory Hub, NHS Genomic Medicine Service
Classification: Uncertain significance for Cleft palate. Last evaluated: 2020-07-13. Review status: criteria provided, single submitter. Criteria: ACGS Best Practice Guidelines for Variant Classification in Rare Disease 2020. Collection method: clinical testing. Allele origin: germline. Affected: yes. Observed: 1 variant allele.

Ambry Genetics
Classification: Uncertain significance for Cardiovascular phenotype; Hereditary cancer-predisposing syndrome. Last evaluated: 2020-06-25. Review status: criteria provided, single submitter. Criteria: Ambry Variant Classification Scheme 2023. Collection method: clinical testing. Allele origin: germline.

Ambry Genetics
Classification: Uncertain significance for Hereditary cancer-predisposing syndrome. Last evaluated: 2015-07-16. Review status: criteria provided, single submitter. Criteria: Ambry Autosomal Dominant and X-Linked criteria (10/2015). Collection method: clinical testing. Allele origin: germline. Observed: 1 variant allele.
Comment: The p.H781L variant (also known as c.2342A>T), located in coding exon 20 of the NF1 gene, results from an A to T substitution at nucleotide position 2342. The histidine at codon 781 is replaced by leucine, an amino acid with similar properties. A similar alteration at the same codon, p.H781P, has been reported in a patient with neurofibromatosis type 1 (NF1) (Fahsold R et al. Am J Hum Genet. 2000 Mar;66(3):790-818).The p.H781Lvariant was not reported in population based cohorts in the following databases: Database of Single Nucleotide Polymorphisms (dbSNP), NHLBI Exome Sequencing Project (ESP), and 1000 Genomes Project. In the ESP, this variant was not observed in 6503 samples (13006 alleles) with coverage at this position. To date, this alteration has been detected with an allele frequency of approximately 0.002% (greater than 55000alleles tested) in our clinical cohort.This amino acid position is well conserved in available vertebrate species. In addition, the in silico prediction for this alteration is inconclusive.Since supporting evidence is limited at this time, the clinical significance of p.H781Lremains unclear.